The following is an entry in ClinVar:

NM_014244.5(ADAMTS2):c.422dup (p.Glu142fs)

Gene: ADAMTS2 (ADAM metallopeptidase with thrombospondin type 1 motif 2; minus strand). Cytogenetic location: 5q35.3.
Variant type: Duplication.
Coding change: c.422dup on transcript NM_014244.5 (MANE Select); coding-DNA position 422, one base duplicated (G; older notation c.422dupG).
Protein change: p.Glu142fs; shifts the reading frame from glutamic acid 142.
Molecular consequence: frameshift variant.
Genome position (GRCh38, 1-based): chr5:179,343,879, C duplicated on the plus strand (G on the coding strand, the reverse complement: ADAMTS2 is on the minus strand); the first of 3 consecutive C bases (chr5:179,343,879-179,343,881); duplicating any one gives the same sequence. VCF-style (leftmost placement, unchanged base first): chr5-179343878-G-GC. GRCh37 (hg19) VCF-style: chr5-178770879-G-GC.
Other names: c.422dup, p.Glu142fs (NM_021599.4); short protein forms E142fs.
Identifiers: ClinVar variation 1726136 (VCV001726136.2), dbSNP rs2532189944, ClinGen allele CA2580074164.

ClinVar aggregate classification (germline): Likely pathogenic (1 of 4 stars; one submission).

Conditions:
Ehlers-Danlos syndrome, dermatosparaxis type. Also called: Dermatosparaxis; EDS VIIC; Ehlers-Danlos syndrome, type VII, autosomal recessive. Identifiers: Orphanet 1901, MedGen C2700425, MONDO:0009161, OMIM 225410.

Submission:

Myriad Genetics, Inc.
Classification: Likely pathogenic for Ehlers-Danlos syndrome, dermatosparaxis type. Last evaluated: 2022-05-18. Review status: criteria provided, single submitter. Criteria: Myriad Women's Health Autosomal Recessive and X-Linked Classification Criteria (2021). Collection method: clinical testing. Allele origin: unknown.
Comment: NM_014244.4(ADAMTS2):c.422dupG(E142Rfs*63) is expected to be pathogenic in the context of Ehlers-Danlos syndrome type VIIC. This variant is predicted to lead to an abnormal or absent protein product due to the creation of a premature termination codon in ADAMTS2, a gene where loss-of-function variants are known to be pathogenic. Please note: this variant was assessed in the context of healthy population screening.